The following is an entry in ClinVar:

NM_153717.3(EVC):c.2373G>A (p.Gln791=)

Gene: EVC (EvC ciliary complex subunit 1; plus strand). Cytogenetic location: 4p16.2.
Variant type: single nucleotide variant.
Coding change: c.2373G>A on transcript NM_153717.3 (MANE Select); coding-DNA position 2373, G replaced by A.
Protein change: p.Gln791=; no amino-acid change (glutamine 791 retained).
Molecular consequence: synonymous variant.
Genome position (GRCh38, 1-based): chr4:5,802,018, G>A. VCF-style: chr4-5802018-G-A. GRCh37 (hg19) VCF-style: chr4-5803745-G-A.
Other names: c.2373G>A, p.Gln791= (NM_001306090.2).
Identifiers: ClinVar variation 349201 (VCV000349201.29), dbSNP rs73795089, ClinGen allele CA2836479.

ClinVar aggregate classification (germline): Benign/Likely benign. Review status: criteria provided, multiple submitters, no conflicts (2 of 4 stars). 7 submissions from 7 submitters: Benign (5); Likely benign (1). 1 of the submissions does not count toward it. Last evaluated 2026-05-11.

Conditions:
Ellis-van Creveld syndrome (EVC). Also called: Chondroectodermal dysplasia; MESOECTODERMAL DYSPLASIA. Identifiers: Orphanet 289, MedGen C0013903, MONDO:0009162, OMIM 225500.
Curry-Hall syndrome (WAD). Also called: WEYERS ACRODENTAL DYSOSTOSIS. Identifiers: Orphanet 952, MedGen C0457013, MONDO:0008673, OMIM 193530.

Allele frequency attached by ClinVar (database versions not stated): 1000 Genomes Project 0.01378; gnomAD 0.01090 and 0.01161; ESP Exome Variant Server 0.01269; gnomAD exomes 0.00275; TOPMed 0.01193; 1000 Genomes Project 30x 0.01577; ExAC 0.00316.
gnomAD v4.1: 3,315 of 1,614,216 alleles (0.21%); highest among the groups gnomAD compares: African/African-American, 3.8%; 51 homozygotes.

Submissions (7):

Women's Health and Genetics/Laboratory Corporation of America, LabCorp
Classification: Likely benign. Last evaluated: 2026-05-11. Review status: criteria provided, single submitter. Criteria: LabCorp Variant Classification Summary - May 2015. Collection method: clinical testing. Allele origin: germline.

Labcorp Genetics (formerly Invitae), Labcorp
Classification: Benign for Curry-Hall syndrome; Ellis-van Creveld syndrome. Last evaluated: 2026-01-28. Review status: criteria provided, single submitter. Criteria: Invitae Variant Classification Sherloc (09022015). Collection method: clinical testing. Allele origin: germline.

ARUP Laboratories, Molecular Genetics and Genomics, ARUP Laboratories
Classification: Benign. Last evaluated: 2024-09-30. Review status: criteria provided, single submitter. Criteria: ARUP Molecular Germline Variant Investigation Process 2024. Collection method: clinical testing. Allele origin: germline.

GeneDx
Classification: Benign. Last evaluated: 2018-08-20. Review status: criteria provided, single submitter. Criteria: GeneDx Variant Classification Process June 2021. Collection method: clinical testing. Allele origin: germline. Affected: yes.

Illumina Laboratory Services, Illumina
Classification: Benign for Ellis-van Creveld syndrome. Last evaluated: 2018-01-12. Review status: criteria provided, single submitter. Criteria: ICSL Variant Classification Criteria 13 December 2019. Collection method: clinical testing. Allele origin: germline.
Comment: This variant was observed in the ICSL laboratory as part of a predisposition screen in an ostensibly healthy population. It had not been previously curated by ICSL or reported in the Human Gene Mutation Database (HGMD: prior to June 1st, 2018), and was therefore a candidate for classification through an automated scoring system. Utilizing variant allele frequency, disease prevalence and penetrance estimates, and inheritance mode, an automated score was calculated to assess if this variant is too frequent to cause the disease. Based on the score and internal cut-off values, a variant classified as benign is not then subjected to further curation. The score for this variant resulted in a classification of benign for this disease.

Breakthrough Genomics
Classification: Benign. Review status: criteria provided, single submitter. Criteria: ACMG Guidelines, 2015. Collection method: not provided. Allele origin: germline. Inheritance: Autosomal recessive inheritance. Affected: yes.

Natera, Inc.
Classification: Benign for Ellis-van Creveld syndrome. Last evaluated: 2020-09-16. Review status: no assertion criteria provided. Collection method: clinical testing. Allele origin: germline. Not counted in ClinVar's aggregate classification.